The following is an entry in ClinVar:

NM_001267550.2(TTN):c.1995A>G (p.Lys665=)

Gene: TTN (titin; minus strand). Cytogenetic location: 2q31.2.
Variant type: single nucleotide variant.
Coding change: c.1995A>G on transcript NM_001267550.2 (MANE Select); coding-DNA position 1995, A replaced by G.
Protein change: p.Lys665=; no amino-acid change (lysine 665 retained).
Molecular consequence: synonymous variant.
Genome position (GRCh38, 1-based): chr2:178,789,441, T>C on the plus strand (A>G on the coding strand, the complement: TTN is on the minus strand). VCF-style: chr2-178789441-T-C. GRCh37 (hg19) VCF-style: chr2-179654168-T-C.
Other names: c.1995A>G, p.Lys665= (NM_001256850.1, NM_133378.4, NM_133379.5); c.1857A>G, p.Lys619= (NM_003319.4, NM_133432.3, NM_133437.4).
Identifiers: ClinVar variation 4874602 (VCV004874602.2).

ClinVar aggregate classification (germline): Uncertain significance (1 of 4 stars; one submission).

Submission:

CeGaT Center for Human Genetics Tuebingen
Classification: Uncertain significance. Last evaluated: 2026-04-01. Review status: criteria provided, single submitter. Criteria: CeGaT Center For Human Genetics Tuebingen Variant Classification Criteria Version 2. Collection method: clinical testing. Allele origin: germline. Affected: yes. Observed: 1 variant allele.
Comment: TTN: PM2:Supporting, BP4